The following is an entry in ClinVar:

NM_020921.4(NIN):c.4420A>C (p.Ile1474Leu)

Gene: NIN (ninein; minus strand). Cytogenetic location: 14q22.1.
Variant type: single nucleotide variant.
Coding change: c.4420A>C on transcript NM_020921.4 (MANE Select); coding-DNA position 4420, A replaced by C.
Protein change: p.Ile1474Leu; replaces isoleucine 1474 with leucine.
Molecular consequence: missense variant. On other transcripts: intron variant (1).
Genome position (GRCh38, 1-based): chr14:50,756,610, T>G on the plus strand (A>C on the coding strand, the complement: NIN is on the minus strand). VCF-style: chr14-50756610-T-G. GRCh37 (hg19) VCF-style: chr14-51223328-T-G.
Other names: c.4420A>C, p.Ile1474Leu (NM_182944.3, NM_182946.2); c.2400-1743A>C (NM_016350.5); short protein forms I1474L.
Identifiers: ClinVar variation 2180332 (VCV002180332.4), dbSNP rs1488850235, ClinGen allele CA389692538.

ClinVar aggregate classification (germline): Uncertain significance (1 of 4 stars; one submission).

Submission:

Labcorp Genetics (formerly Invitae), Labcorp
Classification: Uncertain significance. Last evaluated: 2022-03-23. Review status: criteria provided, single submitter. Criteria: Invitae Variant Classification Sherloc (09022015). Collection method: clinical testing. Allele origin: germline.
Comment: This variant has not been reported in the literature in individuals affected with NIN-related conditions. In summary, the available evidence is currently insufficient to determine the role of this variant in disease. Therefore, it has been classified as a Variant of Uncertain Significance. Algorithms developed to predict the effect of missense changes on protein structure and function (SIFT, PolyPhen-2, Align-GVGD) all suggest that this variant is likely to be tolerated. This variant is not present in population databases (gnomAD no frequency). This sequence change replaces isoleucine, which is neutral and non-polar, with leucine, which is neutral and non-polar, at codon 1474 of the NIN protein (p.Ile1474Leu).